The following is an entry in ClinVar:

ClinVar aggregate classification (germline): Uncertain significance (1 of 4 stars; one submission).

Submission:

CeGaT Center for Human Genetics Tuebingen
Classification: Uncertain significance. Last evaluated: 2022-06-01. Review status: criteria provided, single submitter. Criteria: CeGaT Center For Human Genetics Tuebingen Variant Classification Criteria Version 2. Collection method: clinical testing. Allele origin: germline. Affected: yes. Observed: 1 variant allele.
Comment: UBA1: PM2, BP4

NM_003334.4(UBA1):c.2276C>G (p.Pro759Arg)

Gene: UBA1 (ubiquitin like modifier activating enzyme 1; plus strand). Cytogenetic location: Xp11.3.
Variant type: single nucleotide variant.
Coding change: c.2276C>G on transcript NM_003334.4 (MANE Select); coding-DNA position 2276, C replaced by G.
Protein change: p.Pro759Arg; replaces proline 759 with arginine.
Molecular consequence: missense variant.
Genome position (GRCh38, 1-based): chrX:47,211,037, C>G. VCF-style: chrX-47211037-C-G. GRCh37 (hg19) VCF-style: chrX-47070436-C-G.
Other names: c.2276C>G, p.Pro759Arg (NM_153280.3); short protein forms P759R.
Identifiers: ClinVar variation 2660407 (VCV002660407.24), dbSNP rs2521620749, ClinGen allele CA412808094.
Genomic context (GRCh38, chrX:47,211,037, plus strand): 5'-TGGCGGCTCCCCACTCGAGGGCTGATGTGCTCACCCTTCCCTGCCCTGCCTTCTCCTAGC[C>G]CCTGCATCTGGACTATGTGATGGCTGCTGCCAACCTGTTTGCCCAGACCTACGGGCTGAC-3'
Protein context (NP_003325.2, residues 749-769): PHPLTFDVNN[Pro759Arg]LHLDYVMAAA